The following is an entry in ClinVar:

NM_005502.4(ABCA1):c.3826G>A (p.Gly1276Arg)

Gene: ABCA1 (ATP binding cassette subfamily A member 1; minus strand). Cytogenetic location: 9q31.1.
Variant type: single nucleotide variant.
Coding change: c.3826G>A on transcript NM_005502.4 (MANE Select); coding-DNA position 3826, G replaced by A.
Protein change: p.Gly1276Arg; replaces glycine 1276 with arginine.
Molecular consequence: missense variant.
Genome position (GRCh38, 1-based): chr9:104,814,193, C>T on the plus strand (G>A on the coding strand, the complement: ABCA1 is on the minus strand). VCF-style: chr9-104814193-C-T. GRCh37 (hg19) VCF-style: chr9-107576474-C-T.
Other names: c.3826G>A (NM_005502.3); short protein forms G1276R.
Identifiers: ClinVar variation 1356048 (VCV001356048.9), dbSNP rs755256833, ClinGen allele CA5168312.

ClinVar aggregate classification (germline): Conflicting classifications of pathogenicity. Review status: criteria provided, conflicting classifications (1 of 4 stars). 2 submissions from 2 submitters: Uncertain significance (1); Likely benign (1). Last evaluated 2025-09-04.

Allele frequency attached by ClinVar (database versions not stated): TOPMed 0.00001; gnomAD 0.00003.
gnomAD v4.1: 22 of 1,614,088 alleles (0.0014%); highest among the groups gnomAD compares: Admixed American, 0.0083%; no homozygotes.

Submissions (2):

Labcorp Genetics (formerly Invitae), Labcorp
Classification: Likely benign. Last evaluated: 2025-09-04. Review status: criteria provided, single submitter. Criteria: Invitae Variant Classification Sherloc (09022015). Collection method: clinical testing. Allele origin: germline.

GeneDx
Classification: Uncertain significance. Last evaluated: 2024-02-26. Review status: criteria provided, single submitter. Criteria: GeneDx Variant Classification Process June 2021. Collection method: clinical testing. Allele origin: germline. Affected: yes.
Comment: Has not been previously published as pathogenic or benign to our knowledge; In silico analysis supports that this missense variant does not alter protein structure/function